The following is an entry in ClinVar:

ClinVar aggregate classification (germline): Uncertain significance (1 of 4 stars; one submission).

Conditions:
Tuberous sclerosis 1 (TSC1). Identifiers: Orphanet 805, MedGen C1854465, MONDO:0008612, OMIM 191100.

Submission:

Labcorp Genetics (formerly Invitae), Labcorp
Classification: Uncertain significance for Tuberous sclerosis 1. Last evaluated: 2022-06-04. Review status: criteria provided, single submitter. Criteria: Invitae Variant Classification Sherloc (09022015). Collection method: clinical testing. Allele origin: germline.
Comment: In summary, the available evidence is currently insufficient to determine the role of this variant in disease. Therefore, it has been classified as a Variant of Uncertain Significance. Algorithms developed to predict the effect of missense changes on protein structure and function (SIFT, PolyPhen-2, Align-GVGD) all suggest that this variant is likely to be tolerated. ClinVar contains an entry for this variant (Variation ID: 863763). This variant has not been reported in the literature in individuals affected with TSC1-related conditions. This variant is not present in population databases (gnomAD no frequency). This sequence change replaces alanine, which is neutral and non-polar, with serine, which is neutral and polar, at codon 728 of the TSC1 protein (p.Ala728Ser).

NM_000368.5(TSC1):c.2182G>T (p.Ala728Ser)

Gene: TSC1 (TSC complex subunit 1; minus strand). Cytogenetic location: 9q34.13.
Variant type: single nucleotide variant.
Coding change: c.2182G>T on transcript NM_000368.5 (MANE Select); coding-DNA position 2182, G replaced by T.
Protein change: p.Ala728Ser; replaces alanine 728 with serine.
Molecular consequence: missense variant.
Genome position (GRCh38, 1-based): chr9:132,903,677, C>A on the plus strand (G>T on the coding strand, the complement: TSC1 is on the minus strand). VCF-style: chr9-132903677-C-A. GRCh37 (hg19) VCF-style: chr9-135779064-C-A.
Other names: c.2179G>T, p.Ala727Ser (NM_001162426.2); c.2029G>T, p.Ala677Ser (NM_001162427.2); c.1819G>T, p.Ala607Ser (NM_001362177.2); short protein forms A607S, A727S, A677S, A728S.
Identifiers: ClinVar variation 863763 (VCV000863763.9), dbSNP rs1845494587, ClinGen allele CA375360704.